The following is an entry in ClinVar:

ClinVar aggregate classification (germline): Conflicting classifications of pathogenicity. Review status: criteria provided, conflicting classifications (1 of 4 stars). 3 submissions from 3 submitters: Likely pathogenic (1); Uncertain significance (2). Last evaluated 2026-07-01.

Conditions:
Glycogen storage disease, type II (IOPD). Also called: CARDIOMEGALIA GLYCOGENICA DIFFUSA; GLYCOGENOSIS, GENERALIZED, CARDIAC FORM; GSD II; Glycogen storage disease type 2; Acid maltase deficiency disease; Aglucosidase alfa. Identifiers: Orphanet 365, MedGen C0017921, MONDO:0009290, OMIM 232300.

Submissions (3):

Genomenon, Inc
Classification: Uncertain significance for Glycogen storage disease, type II. Last evaluated: 2026-07-01. Review status: criteria provided, single submitter. Criteria: Genomenon Sequence Variant Interpretation Standards - Updated. Collection method: curation. Allele origin: germline. Affected: no.
Comment: GAA p.His674Tyr (c.2020C>T) is a missense variant that changes the amino acid at codon 674 from Histidine to Tyrosine. This variant has been reported in the published literature (PMID:31342611;40225932;33560568). The variant is located in a mutational hotspot and/or important functional domain. It is absent or not present at a significant frequency in gnomAD. In silico models predict that this variant is possibly or probably damaging. In conclusion, we classify GAA p.His674Tyr (c.2020C>T) as a variant of uncertain significance.

Natera, Inc.
Classification: Likely pathogenic for Glycogen storage disease type II. Last evaluated: 2025-03-28. Review status: criteria provided, single submitter. Criteria: Natera Variant Classification Schema (03/2026). Collection method: clinical testing. Allele origin: germline.
Comment: The c.2020C>T variant in GAA is a missense variant predicted to cause substitution of histidine to tyrosine at amino acid 674. This variant is rare in the general population with a frequency below the threshold expected for the associated phenotype(s). This variant has been observed in one or more individuals affected with the associated recessive disease, as either homozygous or compound heterozygous with a second variant (PMID: 39142946). This variant is located in a functionally critical region of the protein. A different variant at the same position has been determined to be Pathogenic or Likely Pathogenic. Computational prediction algorithms indicate this variant is likely to affect gene or protein function. Given the available evidence, this variant is classified as Likely Pathogenic.

Revvity Omics, Revvity
Classification: Uncertain significance. Last evaluated: 2024-12-30. Review status: criteria provided, single submitter. Criteria: ACMG Guidelines, 2015. Collection method: clinical testing. Allele origin: germline.

Literature cited by the submitters: PubMed 31342611 (cited by Genomenon, Inc); PubMed 40225932 (cited by Genomenon, Inc); PubMed 33560568 (cited by Genomenon, Inc); PubMed 39142946 (cited by Natera, Inc.).

NM_000152.5(GAA):c.2020C>T (p.His674Tyr)

Gene: GAA (alpha glucosidase; plus strand). Cytogenetic location: 17q25.3.
Variant type: single nucleotide variant.
Coding change: c.2020C>T on transcript NM_000152.5 (MANE Select); coding-DNA position 2020, C replaced by T.
Protein change: p.His674Tyr; replaces histidine 674 with tyrosine.
Molecular consequence: missense variant.
Genome position (GRCh38, 1-based): chr17:80,113,007, C>T. VCF-style: chr17-80113007-C-T. GRCh37 (hg19) VCF-style: chr17-78086806-C-T.
Other names: c.2020C>T, p.His674Tyr (NM_001079803.3, NM_001079804.3, NM_001406741.1 and 1 more transcripts); c.2020C>T (NM_000152.4); short protein forms H674Y.
Identifiers: ClinVar variation 2441625 (VCV002441625.6), dbSNP rs1555601652, ClinGen allele CA401370094.